The following is an entry in ClinVar:

ClinVar aggregate classification (germline): Uncertain significance. Review status: criteria provided, multiple submitters, no conflicts (2 of 4 stars). 2 submissions from 2 submitters: Uncertain significance (2). Last evaluated 2023-08-04.

Allele frequency attached by ClinVar (database versions not stated): gnomAD exomes 0.00002 and 0.00005; ExAC 0.00007; ESP Exome Variant Server 0.00008; gnomAD 0.00014 and 0.00016; TOPMed 0.00014.
gnomAD v4.1: 45 of 1,613,662 alleles (0.0028%); highest among the groups gnomAD compares: African/African-American, 0.051%; no homozygotes.

Submissions (2):

Labcorp Genetics (formerly Invitae), Labcorp
Classification: Uncertain significance. Last evaluated: 2023-08-04. Review status: criteria provided, single submitter. Criteria: Invitae Variant Classification Sherloc (09022015). Collection method: clinical testing. Allele origin: germline.
Comment: This variant has not been reported in the literature in individuals affected with C8A-related conditions. This sequence change replaces valine, which is neutral and non-polar, with methionine, which is neutral and non-polar, at codon 167 of the C8A protein (p.Val167Met). This variant is present in population databases (rs374176234, gnomAD 0.07%). ClinVar contains an entry for this variant (Variation ID: 999601). An algorithm developed to predict the effect of missense changes on protein structure and function (PolyPhen-2) suggests that this variant is likely to be disruptive. In summary, the available evidence is currently insufficient to determine the role of this variant in disease. Therefore, it has been classified as a Variant of Uncertain Significance.

Ambry Genetics
Classification: Uncertain significance. Last evaluated: 2021-09-16. Review status: criteria provided, single submitter. Criteria: Ambry Variant Classification Scheme 2023. Collection method: clinical testing. Allele origin: germline.

NM_000562.3(C8A):c.499G>A (p.Val167Met)

Gene: C8A (complement C8 alpha chain; plus strand). Cytogenetic location: 1p32.2.
Variant type: single nucleotide variant.
Coding change: c.499G>A on transcript NM_000562.3 (MANE Select); coding-DNA position 499, G replaced by A.
Protein change: p.Val167Met; replaces valine 167 with methionine.
Molecular consequence: missense variant.
Genome position (GRCh38, 1-based): chr1:56,881,479, G>A. VCF-style: chr1-56881479-G-A. GRCh37 (hg19) VCF-style: chr1-57347152-G-A.
Other names: c.499G>A (NM_000562.2); short protein forms V167M.
Identifiers: ClinVar variation 999601 (VCV000999601.5), dbSNP rs374176234, ClinGen allele CA875061.